The following is an entry in ClinVar:

ClinVar aggregate classification (germline): Conflicting classifications of pathogenicity. Review status: criteria provided, conflicting classifications (1 of 4 stars). 4 submissions from 4 submitters: Uncertain significance (2); Likely benign (2). Last evaluated 2026-02-27.

Conditions:
Familial hypobetalipoproteinemia 1. Also called: Hypobetalipoproteinemia, normotriglyceridemic; Acanthocytosis with hypobetalipoproteinemia; APOB-Related Familial Hypobetalipoproteinemia. Identifiers: MedGen C4551990, MONDO:0014252, OMIM 615558.
Hypercholesterolemia, autosomal dominant, type B (FHCL2). Also called: Familial Hypercholesterolemia Type B; HYPERCHOLESTEROLEMIA, FAMILIAL, DUE TO LIGAND-DEFECTIVE APOLIPOPROTEIN B; Familial hypercholesterolemia 2; APOB-Related Familial Hypercholesterolemia, Autosomal Dominant; APOLIPOPROTEIN B-100, FAMILIAL DEFECTIVE; APOLIPOPROTEIN B-100, FAMILIAL LIGAND-DEFECTIVE. Identifiers: MedGen C1704417, MONDO:0007751, OMIM 144010.
Cardiovascular phenotype. Identifiers: MedGen CN230736.

Allele frequency attached by ClinVar (database versions not stated): gnomAD exomes 0.00001 and 0.00002; ExAC 0.00002; TOPMed 0.00002; gnomAD 0.00004.
gnomAD v4.1: 29 of 1,614,072 alleles (0.0018%); highest among the groups gnomAD compares: Middle Eastern, 0.033%; no homozygotes.

Submissions (4):

Ambry Genetics
Classification: Likely benign for Cardiovascular phenotype. Last evaluated: 2026-02-27. Review status: criteria provided, single submitter. Criteria: Ambry Variant Classification Scheme 2023. Collection method: clinical testing. Allele origin: germline.

Labcorp Genetics (formerly Invitae), Labcorp
Classification: Likely benign for Familial hypobetalipoproteinemia 1; Hypercholesterolemia, autosomal dominant, type B. Last evaluated: 2025-08-17. Review status: criteria provided, single submitter. Criteria: Invitae Variant Classification Sherloc (09022015). Collection method: clinical testing. Allele origin: germline.

Quest Diagnostics Nichols Institute San Juan Capistrano
Classification: Uncertain significance. Last evaluated: 2024-09-21. Review status: criteria provided, single submitter. Criteria: Quest Diagnostics criteria. Collection method: clinical testing. Allele origin: unknown.
Comment: The APOB c.4441G>A (p.Val1481Ile) variant has not been reported in individuals with APOB-related conditions in the published literature. The frequency of this variant in the general population, 0.000031 (4/128932 chromosomes (Genome Aggregation Database)), is uninformative in the assessment of its pathogenicity. Analysis of this variant using bioinformatics tools for the prediction of the effect of amino acid changes on protein structure and function yielded predictions that this variant is benign. Based on the available information, we are unable to determine the clinical significance of this variant.

Fulgent Genetics
Classification: Uncertain significance for Hypercholesterolemia, autosomal dominant, type B; Familial hypobetalipoproteinemia 1. Last evaluated: 2021-09-14. Review status: criteria provided, single submitter. Criteria: ACMG Guidelines, 2015. Collection method: clinical testing. Allele origin: unknown.

NM_000384.3(APOB):c.4441G>A (p.Val1481Ile)

Gene: APOB (apolipoprotein B; minus strand). Cytogenetic location: 2p24.1.
Variant type: single nucleotide variant.
Coding change: c.4441G>A on transcript NM_000384.3 (MANE Select); coding-DNA position 4441, G replaced by A.
Protein change: p.Val1481Ile; replaces valine 1481 with isoleucine.
Molecular consequence: missense variant.
Genome position (GRCh38, 1-based): chr2:21,012,427, C>T on the plus strand (G>A on the coding strand, the complement: APOB is on the minus strand). VCF-style: chr2-21012427-C-T. GRCh37 (hg19) VCF-style: chr2-21235299-C-T.
Other names: short protein forms V1481I.
Identifiers: ClinVar variation 922941 (VCV000922941.9), dbSNP rs748985164, ClinGen allele CA061003.
Genomic context (GRCh38, chr2:21,012,427, plus strand): 5'-ATGTGCCTTTAGCATAGAACGAAGAGACTCTGAACTGCCCATCAATCTTGACTTCTTTGA[C>T]AAACAAATGCTGTTTCTTTTTGGAGTCCAAATGAACTGAAGCAGACATCTGTGGTCCCCA-3'
Protein context (NP_000375.3, residues 1471-1491): LDSKKKQHLF[Val1481Ile]KEVKIDGQFR